The following is an entry in ClinVar:

ClinVar aggregate classification (germline): Uncertain significance (1 of 4 stars; one submission).

Conditions:
Hereditary pancreatitis (PCTT). Also called: Hereditary chronic pancreatitis; PRSS1-Related Hereditary Pancreatitis. Identifiers: Orphanet 676, MedGen C0238339, MONDO:0008185, OMIM 167800.

Submission:

Ambry Genetics
Classification: Uncertain significance for Hereditary pancreatitis. Last evaluated: 2024-09-14. Review status: criteria provided, single submitter. Criteria: Ambry Variant Classification Scheme 2023. Collection method: clinical testing. Allele origin: germline.
Comment: The p.K2N variant (also known as c.6G>C), located in coding exon 1 of the SPINK1 gene, results from a G to C substitution at nucleotide position 6. The lysine at codon 2 is replaced by asparagine, an amino acid with similar properties. This amino acid position is well conserved in available vertebrate species. In addition, the in silico prediction for this alteration is inconclusive. Based on the available evidence, the clinical significance of this variant remains unclear.

NM_001379610.1(SPINK1):c.6G>C (p.Lys2Asn)

Gene: SPINK1 (serine peptidase inhibitor Kazal type 1; minus strand). Cytogenetic location: 5q32.
Variant type: single nucleotide variant.
Coding change: c.6G>C on transcript NM_001379610.1 (MANE Select); coding-DNA position 6, G replaced by C.
Protein change: p.Lys2Asn; replaces lysine 2 with asparagine.
Molecular consequence: missense variant.
Genome position (GRCh38, 1-based): chr5:147,831,572, C>G on the plus strand (G>C on the coding strand, the complement: SPINK1 is on the minus strand). VCF-style: chr5-147831572-C-G. GRCh37 (hg19) VCF-style: chr5-147211135-C-G.
Other names: c.6G>C, p.Lys2Asn (NM_001354966.2, NM_003122.5); short protein forms K2N.
Identifiers: ClinVar variation 3448551 (VCV003448551.1).